The following is an entry in ClinVar:

NM_000937.5(POLR2A):c.2508C>A (p.Phe836Leu)

Genes: POLR2A (RNA polymerase II subunit A; plus strand), LOC126862481 (BRD4-independent group 4 enhancer GRCh37_chr17:7405086-7406285; plus strand). Cytogenetic location: 17p13.1.
Variant type: single nucleotide variant.
Coding change: c.2508C>A on transcript NM_000937.5 (MANE Select); coding-DNA position 2508, C replaced by A.
Protein change: p.Phe836Leu; replaces phenylalanine 836 with leucine.
Molecular consequence: missense variant.
Genome position (GRCh38, 1-based): chr17:7,502,058, C>A. VCF-style: chr17-7502058-C-A. GRCh37 (hg19) VCF-style: chr17-7405377-C-A.
Other names: short protein forms F836L.
Identifiers: ClinVar variation 983018 (VCV000983018.2), dbSNP rs1312169516, ClinGen allele CA397889163.

ClinVar aggregate classification (germline): Conflicting classifications of pathogenicity. Review status: criteria provided, conflicting classifications (1 of 4 stars). 2 submissions from 2 submitters: Likely pathogenic (1); Uncertain significance (1). Last evaluated 2024-11-27.

Conditions:
Neurodevelopmental disorder with hypotonia and variable intellectual and behavioral abnormalities. Identifiers: MedGen C5231423, MONDO:0032829, OMIM 618603.

Submissions (2):

GeneDx
Classification: Uncertain significance. Last evaluated: 2024-11-27. Review status: criteria provided, single submitter. Criteria: GeneDx Variant Classification Process June 2021. Collection method: clinical testing. Allele origin: germline. Affected: yes.
Comment: Not observed at significant frequency in large population cohorts (gnomAD); In silico analysis supports that this missense variant has a deleterious effect on protein structure/function; Has not been previously published as pathogenic or benign to our knowledge

Institute of Human Genetics, University of Leipzig Medical Center
Classification: Likely pathogenic for Neurodevelopmental disorder with hypotonia and variable intellectual and behavioral abnormalities. Last evaluated: 2019-01-01. Review status: criteria provided, single submitter. Criteria: ACMG Guidelines, 2015. Collection method: clinical testing. Allele origin: de novo. Affected: yes.
Comment: This variant was identified as de novo.